The following is an entry in ClinVar:

NM_007186.6(CEP250):c.6479G>C (p.Arg2160Thr)

Gene: CEP250 (centrosomal protein 250; plus strand). Cytogenetic location: 20q11.22.
Variant type: single nucleotide variant.
Coding change: c.6479G>C on transcript NM_007186.6 (MANE Select); coding-DNA position 6479, G replaced by C.
Protein change: p.Arg2160Thr; replaces arginine 2160 with threonine.
Molecular consequence: missense variant.
Genome position (GRCh38, 1-based): chr20:35,504,848, G>C. VCF-style: chr20-35504848-G-C. GRCh37 (hg19) VCF-style: chr20-34092676-G-C.
Other names: c.4583G>C, p.Arg1528Thr (NM_001318219.1); short protein forms R1528T, R2160T.
Identifiers: ClinVar variation 1959756 (VCV001959756.3), dbSNP rs542508593, ClinGen allele CA314161889.
Genomic context (GRCh38, chr20:35,504,848, plus strand): 5'-AACTTGATTCTTTAGAGCCCAGGCTGCAGCGGGAGCTGGAGCGGCTACAGGCAGCCCTGA[G>C]ACAGACAGAAGCCAGGGAGATTGAGTGGAGGGAGAAGGCCCAGGACTTGGCACTCTCCCT-3'
Protein context (NP_009117.2, residues 2150-2170): RELERLQAAL[Arg2160Thr]QTEAREIEWR

ClinVar aggregate classification (germline): Uncertain significance (1 of 4 stars; one submission).

Allele frequency attached by ClinVar (database versions not stated): gnomAD 0.00001.
gnomAD v4.1: 1 of 1,614,204 alleles (0.000062%); highest among the groups gnomAD compares: East Asian, 0.0022%; no homozygotes.

Submission:

Labcorp Genetics (formerly Invitae), Labcorp
Classification: Uncertain significance. Last evaluated: 2022-01-27. Review status: criteria provided, single submitter. Criteria: Invitae Variant Classification Sherloc (09022015). Collection method: clinical testing. Allele origin: germline.
Comment: In summary, the available evidence is currently insufficient to determine the role of this variant in disease. Therefore, it has been classified as a Variant of Uncertain Significance. Algorithms developed to predict the effect of missense changes on protein structure and function are either unavailable or do not agree on the potential impact of this missense change (SIFT: "Not Available"; PolyPhen-2: "Possibly Damaging"; Align-GVGD: "Not Available"). This variant has not been reported in the literature in individuals affected with CEP250-related conditions. This variant is not present in population databases (gnomAD no frequency). This sequence change replaces arginine, which is basic and polar, with threonine, which is neutral and polar, at codon 2160 of the CEP250 protein (p.Arg2160Thr).